The following is an entry in ClinVar:

ClinVar aggregate classification (germline): Uncertain significance. Review status: criteria provided, multiple submitters, no conflicts (2 of 4 stars). 2 submissions from 2 submitters: Uncertain significance (2). Last evaluated 2025-02-12.

Conditions:
Catecholaminergic polymorphic ventricular tachycardia 1. Also called: VENTRICULAR TACHYCARDIA, CATECHOLAMINERGIC POLYMORPHIC, 1, WITH OR WITHOUT ATRIAL DYSFUNCTION AND/OR DILATED CARDIOMYOPATHY; RYR2-Related Catecholaminergic Polymorphic Ventricular Tachycardia; VENTRICULAR TACHYCARDIA, STRESS-INDUCED POLYMORPHIC 1. Identifiers: Orphanet 3286, MedGen C1631597, MONDO:0011484, OMIM 604772.

Submissions (2):

Labcorp Genetics (formerly Invitae), Labcorp
Classification: Uncertain significance for Catecholaminergic polymorphic ventricular tachycardia 1. Last evaluated: 2025-02-12. Review status: criteria provided, single submitter. Criteria: Invitae Variant Classification Sherloc (09022015). Collection method: clinical testing. Allele origin: germline.
Comment: This sequence change replaces threonine, which is neutral and polar, with arginine, which is basic and polar, at codon 3674 of the RYR2 protein (p.Thr3674Arg). This variant is not present in population databases (gnomAD no frequency). This variant has not been reported in the literature in individuals affected with RYR2-related conditions. Invitae Evidence Modeling of protein sequence and biophysical properties (such as structural, functional, and spatial information, amino acid conservation, physicochemical variation, residue mobility, and thermodynamic stability) indicates that this missense variant is not expected to disrupt RYR2 protein function with a negative predictive value of 95%. In summary, the available evidence is currently insufficient to determine the role of this variant in disease. Therefore, it has been classified as a Variant of Uncertain Significance.

Blueprint Genetics
Classification: Uncertain significance. Last evaluated: 2017-11-18. Review status: criteria provided, single submitter. Criteria: ACMG Guidelines, 2015. Collection method: clinical testing. Allele origin: germline.

NM_001035.3(RYR2):c.11021C>G (p.Thr3674Arg)

Gene: RYR2 (ryanodine receptor 2; plus strand). Cytogenetic location: 1q43.
Variant type: single nucleotide variant.
Coding change: c.11021C>G on transcript NM_001035.3 (MANE Select); coding-DNA position 11021, C replaced by G.
Protein change: p.Thr3674Arg; replaces threonine 3674 with arginine.
Molecular consequence: missense variant.
Genome position (GRCh38, 1-based): chr1:237,732,131, C>G. VCF-style: chr1-237732131-C-G. GRCh37 (hg19) VCF-style: chr1-237895431-C-G.
Other names: short protein forms T3674R.
Identifiers: ClinVar variation 4800109 (VCV004800109.2).